The following is an entry in ClinVar:

NM_006885.4(ZFHX3):c.6851G>A (p.Arg2284Gln)

Genes: ZFHX3 (zinc finger homeobox 3; minus strand), ZFHX3-AS1 (ZFHX3 antisense RNA 1; plus strand). Cytogenetic location: 16q22.2.
Variant type: single nucleotide variant.
Coding change: c.6851G>A on transcript NM_006885.4 (MANE Select); coding-DNA position 6851, G replaced by A.
Protein change: p.Arg2284Gln; replaces arginine 2284 with glutamine.
Molecular consequence: missense variant.
Genome position (GRCh38, 1-based): chr16:72,795,831, C>T on the plus strand (G>A on the coding strand, the complement: ZFHX3 is on the minus strand). VCF-style: chr16-72795831-C-T. GRCh37 (hg19) VCF-style: chr16-72829730-C-T.
Other names: c.4109G>A, p.Arg1370Gln (NM_001164766.2); c.6851G>A, p.Arg2284Gln (NM_001386735.1); short protein forms R1370Q, R2284Q.
Identifiers: ClinVar variation 3361474 (VCV003361474.1).

ClinVar aggregate classification (germline): Uncertain significance (1 of 4 stars; one submission).

gnomAD v4.1: 5 of 1,614,038 alleles (0.00031%); highest among the groups gnomAD compares: African/African-American, 0.0013%; no homozygotes.

Submission:

GeneDx
Classification: Uncertain significance. Last evaluated: 2023-07-21. Review status: criteria provided, single submitter. Criteria: GeneDx Variant Classification Process June 2021. Collection method: clinical testing. Allele origin: germline. Affected: yes.
Comment: Not observed at significant frequency in large population cohorts (gnomAD); In silico analysis supports that this missense variant has a deleterious effect on protein structure/function; Has not been previously published as pathogenic or benign to our knowledge; Variants in candidate genes are classified as variants of uncertain significance in accordance with ACMG guidelines (Richards et al., 2015)